The following is an entry in ClinVar:

ClinVar aggregate classification (germline): Uncertain significance (0 of 4 stars; one submission).

Submission:

Department of Pathology and Laboratory Medicine, Sinai Health System
Classification: Uncertain significance. Review status: no assertion criteria provided. Collection method: clinical testing. Allele origin: unknown. Affected: yes. Study: The Canadian Open Genetics Repository (COGR).
Comment: The PTCH2 p.Arg898Gly variant was not identified in the literature nor was it identified in dbSNP, ClinVar, Cosmic, LOVD 3.0 or in the following control databases: the 1000 Genomes Project, the NHLBI GO Exome Sequencing Project, the Exome Aggregation Consortium (August 8th 2016), or the Genome Aggregation Database (Feb 27, 2017). The p.Arg898 residue is conserved in mammals and computational analyses (PolyPhen-2, SIFT, AlignGVGD, BLOSUM, MutationTaster) provide inconsistent predictions regarding the impact to the protein; this information is not very predictive of pathogenicity. The variant occurs outside of the splicing consensus sequence and 3 of 4 in silico or computational prediction software programs (SpliceSiteFinder, MaxEntScan, GeneSplicer) do not predict a difference in splicing. In summary, based on the above information the clinical significance of this variant cannot be determined with certainty at this time. This variant is classified as a variant of uncertain significance.

NM_003738.5(PTCH2):c.2692C>G (p.Arg898Gly)

Gene: PTCH2 (patched 2; minus strand). Cytogenetic location: 1p34.1.
Variant type: single nucleotide variant.
Coding change: c.2692C>G on transcript NM_003738.5 (MANE Select); coding-DNA position 2692, C replaced by G.
Protein change: p.Arg898Gly; replaces arginine 898 with glycine.
Molecular consequence: missense variant.
Genome position (GRCh38, 1-based): chr1:44,826,905, G>C on the plus strand (C>G on the coding strand, the complement: PTCH2 is on the minus strand). VCF-style: chr1-44826905-G-C. GRCh37 (hg19) VCF-style: chr1-45292577-G-C.
Other names: c.2692C>G, p.Arg898Gly (NM_001166292.2); short protein forms R898G.
Identifiers: ClinVar variation 1050595 (VCV001050595.1), dbSNP rs759692145, ClinGen allele CA340094002.
Genomic context (GRCh38, chr1:44,826,905, plus strand): 5'-GCTCAGGGCTTGTGTGGGCGAGGCTGAGGCTCTTGCCGAGCTCCCCCCAAGACTCACTGC[G>C]AAGGTTCTCCCCCGTGGTGTCGTATTTGTCGTGCAGCCATTCAGGAGGTGGGGGGTAGAA-3'
Protein context (NP_003729.3, residues 888-908): DKYDTTGENL[Arg898Gly]IPPAQPLEFA